The following is an entry in ClinVar:

ClinVar aggregate classification (germline): Uncertain significance (1 of 4 stars; one submission).

Allele frequency attached by ClinVar (database versions not stated): ExAC 0.00001; gnomAD exomes 0.00001; gnomAD 0.00003; TOPMed 0.00005; ESP Exome Variant Server 0.00008.

Submission:

CeGaT Center for Human Genetics Tuebingen
Classification: Uncertain significance. Last evaluated: 2024-04-01. Review status: criteria provided, single submitter. Criteria: CeGaT Center For Human Genetics Tuebingen Variant Classification Criteria Version 2. Collection method: clinical testing. Allele origin: germline. Affected: yes. Observed: 1 variant allele.
Comment: TBC1D7: PM2

NM_016495.6(TBC1D7):c.167G>A (p.Arg56His)

Genes: TBC1D7 (TBC1 domain family member 7; minus strand), TBC1D7-LOC100130357 (TBC1D7-LOC100130357 readthrough; minus strand). Cytogenetic location: 6p24.1.
Variant type: single nucleotide variant.
Coding change: c.167G>A on transcript NM_016495.6 (MANE Select); coding-DNA position 167, G replaced by A.
Protein change: p.Arg56His; replaces arginine 56 with histidine.
Molecular consequence: missense variant. On other transcripts: non-coding transcript variant (1), intron variant (2).
Genome position (GRCh38, 1-based): chr6:13,325,120, C>T on the plus strand (G>A on the coding strand, the complement: TBC1D7 is on the minus strand). VCF-style: chr6-13325120-C-T. GRCh37 (hg19) VCF-style: chr6-13325352-C-T.
Other names: c.167G>A, p.Arg56His (NM_001318809.2, NM_001143964.4, NM_001143965.4 and 2 more transcripts); c.112+1667G>A (NM_001143966.4, NM_001318806.2); short protein forms R56H.
Identifiers: ClinVar variation 3234182 (VCV003234182.20), dbSNP rs373130487, ClinGen allele CA3639880.